The following is an entry in ClinVar:

NM_000312.4(PROC):c.325G>C (p.Gly109Arg)

Gene: PROC (protein C, inactivator of coagulation factors Va and VIIIa; plus strand). Cytogenetic location: 2q14.3.
Variant type: single nucleotide variant.
Coding change: c.325G>C on transcript NM_000312.4 (MANE Select); coding-DNA position 325, G replaced by C.
Protein change: p.Gly109Arg; replaces glycine 109 with arginine.
Molecular consequence: missense variant. On other transcripts: synonymous variant (1).
Genome position (GRCh38, 1-based): chr2:127,423,096, G>C. VCF-style: chr2-127423096-G-C. GRCh37 (hg19) VCF-style: chr2-128180672-G-C.
Other names: p.Gly109Arg; c.508G>C, p.Gly170Arg (NM_001375602.1); c.388G>C, p.Gly130Arg (NM_001375603.1, NM_001375604.1); c.325G>C, p.Gly109Arg (NM_001375605.1, NM_001375608.1, NM_001375611.1 and 1 more transcripts); c.480G>C, p.Thr160= (NM_001375606.1); c.409G>C, p.Gly137Arg (NM_001375607.1); c.301G>C, p.Gly101Arg (NM_001375609.1); c.319G>C, p.Gly107Arg (NM_001375610.1); short protein forms G101R, G107R, G109R, G130R, G137R, G170R.
Identifiers: ClinVar variation 3380946 (VCV003380946.2).

ClinVar aggregate classification (germline): Likely pathogenic (1 of 4 stars; one submission).

Submission:

Mayo Clinic Laboratories, Mayo Clinic
Classification: Likely pathogenic. Last evaluated: 2025-01-21. Review status: criteria provided, single submitter. Criteria: ACMG Guidelines, 2015. Collection method: clinical testing. Allele origin: germline. Observed: 2 variant alleles.
Comment: PP3_moderate, PM1, PM2_supporting, PS4_moderate

Literature cited by the submitters: PubMed 23643436; PubMed 31254973; PubMed 36338413.